The following is an entry in ClinVar:

ClinVar aggregate classification (germline): Uncertain significance (1 of 4 stars; one submission).

Conditions:
Tuberous sclerosis 2 (TSC2). Identifiers: Orphanet 805, MedGen C1860707, MONDO:0013199, OMIM 613254.

Submission:

Labcorp Genetics (formerly Invitae), Labcorp
Classification: Uncertain significance for Tuberous sclerosis 2. Last evaluated: 2019-12-12. Review status: criteria provided, single submitter. Criteria: Invitae Variant Classification Sherloc (09022015). Collection method: clinical testing. Allele origin: germline.
Comment: This variant is not present in population databases (ExAC no frequency). In summary, the available evidence is currently insufficient to determine the role of this variant in disease. Therefore, it has been classified as a Variant of Uncertain Significance. Algorithms developed to predict the effect of missense changes on protein structure and function are either unavailable or do not agree on the potential impact of this missense change (SIFT: "Tolerated"; PolyPhen-2: "Probably Damaging"; Align-GVGD: "Class C0"). This variant has not been reported in the literature in individuals with TSC2-related conditions. This sequence change replaces asparagine with serine at codon 1515 of the TSC2 protein (p.Asn1515Ser). The asparagine residue is highly conserved and there is a small physicochemical difference between asparagine and serine.

NM_000548.5(TSC2):c.4544A>G (p.Asn1515Ser)

Gene: TSC2 (TSC complex subunit 2; plus strand). Cytogenetic location: 16p13.3.
Variant type: single nucleotide variant.
Coding change: c.4544A>G on transcript NM_000548.5 (MANE Select); coding-DNA position 4544, A replaced by G.
Protein change: p.Asn1515Ser; replaces asparagine 1515 with serine.
Molecular consequence: missense variant.
Genome position (GRCh38, 1-based): chr16:2,085,001, A>G. VCF-style: chr16-2085001-A-G. GRCh37 (hg19) VCF-style: chr16-2135002-A-G.
Other names: c.4343A>G, p.Asn1448Ser (NM_001077183.3); c.4475A>G, p.Asn1492Ser (NM_001114382.3); c.4235A>G, p.Asn1412Ser (NM_001318827.2); c.4199A>G, p.Asn1400Ser (NM_001318829.2); c.3812A>G, p.Asn1271Ser (NM_001318831.2); c.4376A>G, p.Asn1459Ser (NM_001318832.2); c.4346A>G, p.Asn1449Ser (NM_001363528.2); c.4412A>G, p.Asn1471Ser (NM_001370404.1); and 1 more; short protein forms N1449S, N1400S, N1412S, N1448S, N1459S, N1471S, N1515S, N1271S.
Identifiers: ClinVar variation 854478 (VCV000854478.10), dbSNP rs2090586394, ClinGen allele CA394302961.